The following is an entry in ClinVar:

ClinVar aggregate classification (germline): Uncertain significance (1 of 4 stars; one submission).

Conditions:
Syndromic multisystem autoimmune disease due to ITCH deficiency. Also called: AUTOIMMUNE DISEASE, MULTISYSTEM, WITH FACIAL DYSMORPHISM. Identifiers: Orphanet 228426, MedGen C3150649, MONDO:0013245, OMIM 613385.

Allele frequency attached by ClinVar (database versions not stated): gnomAD exomes below 0.00001; gnomAD 0.00001.
gnomAD v4.1: 3 of 1,613,348 alleles (0.00019%); highest among the groups gnomAD compares: Non-Finnish European, 0.00025%; no homozygotes.

Submission:

Labcorp Genetics (formerly Invitae), Labcorp
Classification: Uncertain significance for Syndromic multisystem autoimmune disease due to ITCH deficiency. Last evaluated: 2021-09-17. Review status: criteria provided, single submitter. Criteria: Invitae Variant Classification Sherloc (09022015). Collection method: clinical testing. Allele origin: germline.
Comment: This sequence change replaces isoleucine with valine at codon 697 of the ITCH protein (p.Ile697Val). The isoleucine residue is highly conserved and there is a small physicochemical difference between isoleucine and valine. This variant is not present in population databases (ExAC no frequency). This variant has not been reported in the literature in individuals affected with ITCH-related conditions. Algorithms developed to predict the effect of missense changes on protein structure and function are either unavailable or do not agree on the potential impact of this missense change (SIFT: "Not Available"; PolyPhen-2: "Probably Damaging"; Align-GVGD: "Not Available"). In summary, the available evidence is currently insufficient to determine the role of this variant in disease. Therefore, it has been classified as a Variant of Uncertain Significance.

NM_031483.7(ITCH):c.2089A>G (p.Ile697Val)

Gene: ITCH (itchy E3 ubiquitin protein ligase; plus strand). Cytogenetic location: 20q11.22.
Variant type: single nucleotide variant.
Coding change: c.2089A>G on transcript NM_031483.7 (MANE Select); coding-DNA position 2089, A replaced by G.
Protein change: p.Ile697Val; replaces isoleucine 697 with valine.
Molecular consequence: missense variant.
Genome position (GRCh38, 1-based): chr20:34,481,202, A>G. VCF-style: chr20-34481202-A-G. GRCh37 (hg19) VCF-style: chr20-33069007-A-G.
Other names: c.2212A>G, p.Ile738Val (NM_001257137.3, NM_001324197.2); c.1759A>G, p.Ile587Val (NM_001257138.3); c.2089A>G, p.Ile697Val (NM_001324198.2); short protein forms I587V, I738V, I697V.
Identifiers: ClinVar variation 1381685 (VCV001381685.5), dbSNP rs890924646, ClinGen allele CA313405390.
Genomic context (GRCh38, chr20:34,481,202, plus strand): 5'-CATGATCTGAAACCTAATGGTGGCAATATTCTTGTAACAGAAGAAAATAAAGAGGAATAC[A>G]TCAGGTGAGAGTGCTCCTTTTCACATTTCACTTTTTGTTTGACTACAGCACATTGATAAT-3'
Protein context (NP_113671.3, residues 687-707): LVTEENKEEY[Ile697Val]RMVAEWRLSR